The following is an entry in ClinVar:

NM_203288.2(RP9):c.188A>T (p.Asp63Val)

Gene: RP9 (RP9 pre-mRNA splicing factor; minus strand). Cytogenetic location: 7p14.3.
Variant type: single nucleotide variant.
Coding change: c.188A>T on transcript NM_203288.2 (MANE Select); coding-DNA position 188, A replaced by T.
Protein change: p.Asp63Val; replaces aspartic acid 63 with valine.
Molecular consequence: missense variant.
Genome position (GRCh38, 1-based): chr7:33,099,432, T>A on the plus strand (A>T on the coding strand, the complement: RP9 is on the minus strand). VCF-style: chr7-33099432-T-A. GRCh37 (hg19) VCF-style: chr7-33139044-T-A.
Other names: c.188A>T (NM_203288.1); short protein forms D63V.
Identifiers: ClinVar variation 2416739 (VCV002416739.6), dbSNP rs1261363159, ClinGen allele CA367183620.

ClinVar aggregate classification (germline): Uncertain significance. Review status: criteria provided, multiple submitters, no conflicts (2 of 4 stars). 2 submissions from 2 submitters: Uncertain significance (2). Last evaluated 2024-10-20.

Allele frequency attached by ClinVar (database versions not stated): gnomAD exomes below 0.00001; TOPMed 0.00002.
gnomAD v4.1: 4 of 1,613,510 alleles (0.00025%); highest among the groups gnomAD compares: Non-Finnish European, 0.00034%; no homozygotes.

Submissions (2):

Ambry Genetics
Classification: Uncertain significance. Last evaluated: 2024-10-20. Review status: criteria provided, single submitter. Criteria: Ambry Variant Classification Scheme 2023. Collection method: clinical testing. Allele origin: germline.

Labcorp Genetics (formerly Invitae), Labcorp
Classification: Uncertain significance. Last evaluated: 2022-06-14. Review status: criteria provided, single submitter. Criteria: Invitae Variant Classification Sherloc (09022015). Collection method: clinical testing. Allele origin: germline.
Comment: In summary, the available evidence is currently insufficient to determine the role of this variant in disease. Therefore, it has been classified as a Variant of Uncertain Significance. Algorithms developed to predict the effect of missense changes on protein structure and function are either unavailable or do not agree on the potential impact of this missense change (SIFT: "Deleterious"; PolyPhen-2: "Benign"; Align-GVGD: "Class C15"). This variant has not been reported in the literature in individuals affected with RP9-related conditions. This variant is present in population databases (no rsID available, gnomAD 0.002%). This sequence change replaces aspartic acid, which is acidic and polar, with valine, which is neutral and non-polar, at codon 63 of the RP9 protein (p.Asp63Val).